The following is an entry in ClinVar:

NM_024306.5(FA2H):c.*958C>T

Gene: FA2H (fatty acid 2-hydroxylase; minus strand). Cytogenetic location: 16q23.1.
Variant type: single nucleotide variant.
Coding change: c.*958C>T on transcript NM_024306.5 (MANE Select); 958 bases downstream of the stop codon, C replaced by T.
Molecular consequence: 3 prime UTR variant.
Genome position (GRCh38, 1-based): chr16:74,713,232, G>A on the plus strand (C>T on the coding strand, the complement: FA2H is on the minus strand). VCF-style: chr16-74713232-G-A. GRCh37 (hg19) VCF-style: chr16-74747130-G-A.
Identifiers: ClinVar variation 320467 (VCV000320467.5), dbSNP rs115575599, ClinGen allele CA10648920.

ClinVar aggregate classification (germline): Likely benign (1 of 4 stars; one submission).

Conditions:
Hereditary spastic paraplegia 35. Also called: Spastic paraplegia 35; SPASTIC PARAPLEGIA 35, AUTOSOMAL RECESSIVE, WITH OR WITHOUT NEURODEGENERATION; LEUKODYSTROPHY, DYSMYELINATING, AND SPASTIC PARAPARESIS WITH OR WITHOUT DYSTONIA; Spastic paraplegia 35, autosomal recessive. Identifiers: Orphanet 171629, MedGen C3496228, MONDO:0012866, OMIM 612319.

Allele frequency attached by ClinVar (database versions not stated): gnomAD 0.00401 and 0.00376; TOPMed 0.00421; 1000 Genomes Project 30x 0.00468; 1000 Genomes Project 0.00399.

Submission:

Illumina Laboratory Services, Illumina
Classification: Likely benign for Hereditary spastic paraplegia 35. Last evaluated: 2018-01-12. Review status: criteria provided, single submitter. Criteria: ICSL Variant Classification Criteria 13 December 2019. Collection method: clinical testing. Allele origin: germline.
Comment: This variant was observed in the ICSL laboratory as part of a predisposition screen in an ostensibly healthy population. It had not been previously curated by ICSL or reported in the Human Gene Mutation Database (HGMD: prior to June 1st, 2018), and was therefore a candidate for classification through an automated scoring system. Utilizing variant allele frequency, disease prevalence and penetrance estimates, and inheritance mode, an automated score was calculated to assess if this variant is too frequent to cause the disease. Based on the score and internal cut-off values, a variant classified as likely benign is not then subjected to further curation. The score for this variant resulted in a classification of likely benign for this disease.